The following is an entry in ClinVar:

ClinVar aggregate classification (germline): Likely pathogenic (1 of 4 stars; one submission).

Submission:

GeneDx
Classification: Likely pathogenic. Last evaluated: 2018-03-01. Review status: criteria provided, single submitter. Criteria: GeneDx Variant Classification (06012015). Collection method: clinical testing. Allele origin: germline. Affected: yes.
Comment: The c.1889+5G>T variant has not been published as a pathogenic variant, nor has it been reported as a benign variant to our knowledge. The c.1889+5G>T variant is not observed in large population cohorts (Lek et al., 2016). Several in silico splice prediction models predict that c.1889+5G>T destroys the natural splice donor site in intron 20, which may lead to abnormal gene splicing. However, in the absence of RNA/functional studies, the actual effect of this sequence change in this individual is unknown. Therefore, this variant is likely pathogenic; however, the possibility that it is benign cannot be excluded.

NM_001349338.3(FOXP1):c.1889+5G>T

Gene: FOXP1 (forkhead box P1; minus strand). Cytogenetic location: 3p13.
Variant type: single nucleotide variant.
Coding change: c.1889+5G>T on transcript NM_001349338.3 (MANE Select); 5 bases into the intron after coding-DNA position 1889, G replaced by T.
Molecular consequence: intron variant.
Genome position (GRCh38, 1-based): chr3:70,965,885, C>A on the plus strand (G>T on the coding strand, the complement: FOXP1 is on the minus strand). VCF-style: chr3-70965885-C-A. GRCh37 (hg19) VCF-style: chr3-71015036-C-A.
Other names: c.1937+5G>T (NM_001244810.2); c.1889+5G>T (NM_032682.6, NM_001349340.3, NM_001244816.2 and 1 more transcripts); c.1886+5G>T (NM_001349341.3, NM_001244808.3); c.1661+5G>T (NM_001244812.3); c.1586+5G>T (NM_001349343.3, NM_001349337.2, NM_001370548.1 and 1 more transcripts); c.1589+5G>T (NM_001349342.3, NM_001244815.2, NM_001244813.3).
Identifiers: ClinVar variation 504412 (VCV000504412.2), dbSNP rs1553656383, ClinGen allele CA658796343.